The following is an entry in ClinVar:

ClinVar aggregate classification (germline): Benign/Likely benign. Review status: criteria provided, multiple submitters, no conflicts (2 of 4 stars). 9 submissions from 9 submitters: Benign (6); Likely benign (2). 1 of the submissions does not count toward it. Last evaluated 2026-07-01.

Conditions:
Monogenic diabetes. Identifiers: Orphanet 183625, MedGen C3888631, MONDO:0015967.
Neonatal diabetes mellitus with congenital hypothyroidism. Also called: NDH SYNDROME. Identifiers: Orphanet 79118, MedGen C1857775, MONDO:0012436, OMIM 610199.

Allele frequency attached by ClinVar (database versions not stated): gnomAD exomes 0.00733 and 0.00902; ExAC 0.00776; 1000 Genomes Project 0.00879; 1000 Genomes Project 30x 0.00968; TOPMed 0.00997; gnomAD 0.01080 and 0.01104; ESP Exome Variant Server 0.01284.
gnomAD v4.1: 14,744 of 1,614,206 alleles (0.91%); highest among the groups gnomAD compares: African/African-American, 1.5%; 74 homozygotes.

Submissions (9):

CeGaT Center for Human Genetics Tuebingen
Classification: Benign. Last evaluated: 2026-07-01. Review status: criteria provided, single submitter. Criteria: CeGaT Center For Human Genetics Tuebingen Variant Classification Criteria Version 2. Collection method: clinical testing. Allele origin: germline. Affected: yes. Observed: 8 variant alleles.
Comment: GLIS3: BS1, BS2

Labcorp Genetics (formerly Invitae), Labcorp
Classification: Benign. Last evaluated: 2026-01-30. Review status: criteria provided, single submitter. Criteria: Invitae Variant Classification Sherloc (09022015). Collection method: clinical testing. Allele origin: germline.

Fulgent Genetics
Classification: Benign for Neonatal diabetes mellitus with congenital hypothyroidism. Last evaluated: 2021-07-19. Review status: criteria provided, single submitter. Criteria: ACMG Guidelines, 2015. Collection method: clinical testing. Allele origin: unknown.

GeneDx
Classification: Likely benign. Last evaluated: 2020-01-13. Review status: criteria provided, single submitter. Criteria: GeneDx Variant Classification Process June 2021. Collection method: clinical testing. Allele origin: germline. Affected: yes.
Comment: This variant is associated with the following publications: (PMID: 32425884, 31287502)

Personalized Diabetes Medicine Program, University of Maryland School of Medicine
Classification: Benign for Monogenic diabetes. Last evaluated: 2019-02-01. Review status: criteria provided, single submitter. Criteria: ACMG Guidelines, 2015. Collection method: research. Allele origin: unknown. Observed: 9 variant alleles, 9 heterozygotes.
Comment: ACMG criteria: BA1 (1.63% in gnomAD African, 0.7% overall), BS2 (17 homozygotes in gnomAD)=benign (REVEL 0.206 +PP3/7 predictors + BP4/3 predictors: conflicting evidence, not using)

Illumina Laboratory Services, Illumina
Classification: Benign for Neonatal diabetes mellitus with congenital hypothyroidism. Last evaluated: 2017-05-01. Review status: criteria provided, single submitter. Criteria: ICSL Variant Classification Criteria 13 December 2019. Collection method: clinical testing. Allele origin: germline.
Comment: This variant was observed as part of a predisposition screen in an ostensibly healthy population. A literature search was performed for the gene, cDNA change, and amino acid change (where applicable). No publications were found based on this search. Allele frequency data from public databases was too high to be consistent with this variant causing disease. Therefore, this variant is classified as benign.

Breakthrough Genomics
Classification: Likely benign. Review status: criteria provided, single submitter. Criteria: ACMG Guidelines, 2015. Collection method: not provided. Allele origin: germline. Inheritance: Autosomal recessive inheritance. Affected: yes.

PreventionGenetics, part of Exact Sciences
Classification: Benign. Review status: criteria provided, single submitter. Criteria: ACMG Guidelines, 2015. Collection method: clinical testing. Allele origin: germline.

Genetic Services Laboratory, University of Chicago
Classification: Likely benign for AllHighlyPenetrant. Review status: no assertion criteria provided. Collection method: clinical testing. Allele origin: germline. Inheritance: Autosomal recessive inheritance. Not counted in ClinVar's aggregate classification.
Comment: Likely benign based on allele frequency in 1000 Genomes Project or ESP global frequency and its presence in a patient with a rare or unrelated disease phenotype. NOT Sanger confirmed.

NM_001042413.2(GLIS3):c.938G>C (p.Gly313Ala)

Gene: GLIS3 (GLIS family zinc finger 3; minus strand). Cytogenetic location: 9p24.2.
Variant type: single nucleotide variant.
Coding change: c.938G>C on transcript NM_001042413.2 (MANE Select); coding-DNA position 938, G replaced by C.
Protein change: p.Gly313Ala; replaces glycine 313 with alanine.
Molecular consequence: missense variant.
Genome position (GRCh38, 1-based): chr9:4,118,540, C>G on the plus strand (G>C on the coding strand, the complement: GLIS3 is on the minus strand). VCF-style: chr9-4118540-C-G. GRCh37 (hg19) VCF-style: chr9-4118540-C-G.
Other names: c.473G>C, p.Gly158Ala (NM_152629.4); short protein forms G313A, G158A.
Identifiers: ClinVar variation 129156 (VCV000129156.49), dbSNP rs35154632, ClinGen allele CA152982.
Genomic context (GRCh38, chr9:4,118,540, plus strand): 5'-CCGTTGATGTAGGCCACCAAGGACGTGGGCGACGTGCGGATGATGGTATTGAAATCTATC[C>G]CGATGCCATCGGACAGCGGGGACAAGGACAGCGCTCTCTTCTTGGAGCGGGCCGAGTGGG-3'
Protein context (NP_001035878.1, residues 303-323): LSLSPLSDGI[Gly313Ala]IDFNTIIRTS